The following is an entry in ClinVar:

NM_014795.4(ZEB2):c.2886+12A>C

Gene: ZEB2 (zinc finger E-box binding homeobox 2; minus strand). Cytogenetic location: 2q22.3.
Variant type: single nucleotide variant.
Coding change: c.2886+12A>C on transcript NM_014795.4 (MANE Select); 12 bases into the intron after coding-DNA position 2886, A replaced by C.
Molecular consequence: intron variant.
Genome position (GRCh38, 1-based): chr2:144,398,289, T>G on the plus strand (A>C on the coding strand, the complement: ZEB2 is on the minus strand). VCF-style: chr2-144398289-T-G. GRCh37 (hg19) VCF-style: chr2-145155856-T-G.
Other names: c.2814+12A>C (NM_001171653.2).
Identifiers: ClinVar variation 391409 (VCV000391409.5), dbSNP rs1057524071, ClinGen allele CA16603799.

ClinVar aggregate classification (germline): Likely benign. Review status: criteria provided, multiple submitters, no conflicts (2 of 4 stars). 2 submissions from 2 submitters: Likely benign (2). Last evaluated 2022-09-14.

Conditions:
Mowat-Wilson syndrome (MOWS). Also called: Classic Mowat-Wilson Syndrome. Identifiers: Orphanet 2152, MedGen C1856113, MONDO:0009341, OMIM 235730.

Allele frequency attached by ClinVar (database versions not stated): gnomAD exomes below 0.00001.
gnomAD v4.1: 5 of 1,613,094 alleles (0.00031%); highest among the groups gnomAD compares: East Asian, 0.0089%; no homozygotes.

Submissions (2):

Labcorp Genetics (formerly Invitae), Labcorp
Classification: Likely benign for Mowat-Wilson syndrome. Last evaluated: 2022-09-14. Review status: criteria provided, single submitter. Criteria: Invitae Variant Classification Sherloc (09022015). Collection method: clinical testing. Allele origin: germline.

GeneDx
Classification: Likely benign. Last evaluated: 2016-12-06. Review status: criteria provided, single submitter. Criteria: GeneDx Variant Classification (06012015). Collection method: clinical testing. Allele origin: germline. Affected: yes.
Comment: This variant is considered likely benign or benign based on one or more of the following criteria: it is a conservative change, it occurs at a poorly conserved position in the protein, it is predicted to be benign by multiple in silico algorithms, and/or has population frequency not consistent with disease.